The following is an entry in ClinVar:

ClinVar aggregate classification (germline): Pathogenic (1 of 4 stars; one submission).

Submission:

ISCA site 4
Classification: Pathogenic. Last evaluated: 2011-08-12. Review status: criteria provided, single submitter. Criteria: Kaminsky et al. (Genet Med. 2011). Collection method: clinical testing. Allele origin: unknown. Affected: yes. Observed: 1 variant allele.
Comment: Copy number variation identified through the course of routine clinical cytogenomic testing in postnatal populations. Clinical assertions have been curated as described in Kaminsky et al. 2011.

GRCh38/hg38 22q13.33(chr22:50685063-50739836)x1

Genes: ACR (acrosin; plus strand), SHANK3 (SH3 and multiple ankyrin repeat domains 3; plus strand), LOC105373100 (uncharacterized LOC105373100; minus strand), LOC126863188 (CDK7 strongly-dependent group 2 enhancer GRCh37_chr22:51142004-51143203; plus strand), LOC130067888 (ATAC-STARR-seq lymphoblastoid active region 19333; plus strand). Cytogenetic location: 22q13.33.
Variant type: copy number loss.
Change: copy number 1 (one copy instead of two) of chr22:50,685,063-50,739,836 (54.8 kb, GRCh38 coordinates, 1-based), cytogenetic band 22q13.33.
Identifiers: ClinVar variation 160852 (VCV000160852.1).